The following is an entry in ClinVar:

ClinVar aggregate classification (germline): Likely pathogenic (1 of 4 stars; one submission).

Conditions:
Inborn genetic diseases. Identifiers: MedGen C0950123, MeSH D030342.

Submission:

Ambry Genetics
Classification: Likely pathogenic for Inborn genetic diseases. Last evaluated: 2018-11-28. Review status: criteria provided, single submitter. Criteria: Ambry Variant Classification Scheme 2023. Collection method: clinical testing. Allele origin: germline.
Comment: The p.K466E variant (also known as c.1396A>G), located in coding exon 3 of the UBE3A gene, results from an A to G substitution at nucleotide position 1396. The lysine at codon 466 is replaced by glutamic acid, an amino acid with similar properties. This variant has been determined to be the result of a de novo mutation or germline mosaicism in one family with an isolated case of UBE3A-related neurodevelopmental disorder (Ambry internal data). This amino acid position is highly conserved in available vertebrate species. In addition, this alteration is predicted to be deleterious by in silico analysis. Based on the majority of available evidence to date, this variant is likely to be pathogenic.

NM_130839.5(UBE3A):c.1456A>G (p.Lys486Glu)

Genes: SNHG14 (small nucleolar RNA host gene 14; plus strand), UBE3A (ubiquitin protein ligase E3A; minus strand). Cytogenetic location: 15q11.2.
Variant type: single nucleotide variant.
Coding change: c.1456A>G on transcript NM_130839.5 (MANE Select); coding-DNA position 1456, A replaced by G.
Protein change: p.Lys486Glu; replaces lysine 486 with glutamic acid.
Molecular consequence: missense variant. On other transcripts: non-coding transcript variant (1), intron variant (2).
Genome position (GRCh38, 1-based): chr15:25,370,718, T>C on the plus strand (A>G on the coding strand, the complement: UBE3A is on the minus strand). VCF-style: chr15-25370718-T-C. GRCh37 (hg19) VCF-style: chr15-25615865-T-C.
Other names: c.1465A>G, p.Lys489Glu (NM_000462.5); c.1456A>G, p.Lys486Glu (NM_001354505.1, NM_001354538.2, NM_001354545.2); c.1396A>G, p.Lys466Glu (NM_001354506.2, NM_001354507.2, NM_001354508.2 and 17 more transcripts); c.1279A>G, p.Lys427Glu (NM_001354546.2); c.301+4747A>G (NM_001354551.2); c.361+4747A>G (NM_001354550.2); short protein forms K466E, K489E, K427E, K486E.
Identifiers: ClinVar variation 589644 (VCV000589644.5), dbSNP rs1566954813, ClinGen allele CA391353556.
Genomic context (GRCh38, chr15:25,370,718, plus strand): 5'-CAGTGATTCTTCGTTCACTGTACATGCGAATTCTATTGTCATAATATAATCCCAAATTCT[T>C]TGTGACAGCATTCAATATAAAGGGACATGTCATAAAAGAGAATTTGTTCTCTGTTTCTAC-3'
Protein context (NP_570854.1, residues 476-496): TCPFILNAVT[Lys486Glu]NLGLYYDNRI